The following is an entry in ClinVar:

NM_007175.8(ERLIN2):c.207_209del (p.Asp69del)

Gene: ERLIN2 (ER lipid raft associated 2; plus strand). Cytogenetic location: 8p11.23.
Variant type: Deletion.
Coding change: c.207_209del on transcript NM_007175.8 (MANE Select); coding-DNA positions 207 to 209, 3 bases deleted (TGA; older notation c.207_209delTGA).
Protein change: p.Asp69del; deletes aspartic acid 69.
Molecular consequence: inframe deletion.
Genome position (GRCh38, 1-based): chr8:37,741,789-37,741,791, TGA deleted; deleting any 3 consecutive bases within chr8:37,741,787-37,741,791 gives the same sequence; the c. name uses the placement nearest the transcript's 3' end. VCF-style (leftmost placement, unchanged base first): chr8-37741786-AGAT-A. GRCh37 (hg19) VCF-style: chr8-37599304-AGAT-A.
Other names: c.207_209del, p.Asp69del (NM_001003790.4, NM_001003791.3, NM_001362878.2 and 1 more transcripts); short protein forms D69del.
Identifiers: ClinVar variation 2705446 (VCV002705446.3), dbSNP rs2487294696, ClinGen allele CA2697549832.

ClinVar aggregate classification (germline): Uncertain significance (1 of 4 stars; one submission).

Conditions:
Spastic paraplegia. Identifiers: MedGen C0037772, HP:0001258.

Submission:

Labcorp Genetics (formerly Invitae), Labcorp
Classification: Uncertain significance for Spastic paraplegia. Last evaluated: 2023-05-24. Review status: criteria provided, single submitter. Criteria: Invitae Variant Classification Sherloc (09022015). Collection method: clinical testing. Allele origin: germline.
Comment: This variant, c.207_209del, results in the deletion of 1 amino acid(s) of the ERLIN2 protein (p.Asp69del), but otherwise preserves the integrity of the reading frame. This variant is not present in population databases (gnomAD no frequency). This variant has not been reported in the literature in individuals affected with ERLIN2-related conditions. Experimental studies and prediction algorithms are not available or were not evaluated, and the functional significance of this variant is currently unknown. This variant disrupts the p.Asp69 amino acid residue in ERLIN2. Other variant(s) that disrupt this residue have been determined to be pathogenic (Invitae). This suggests that this residue is clinically significant, and that variants that disrupt this residue are likely to be disease-causing. In summary, the available evidence is currently insufficient to determine the role of this variant in disease. Therefore, it has been classified as a Variant of Uncertain Significance.